The following is an entry in ClinVar:

NM_032043.3(BRIP1):c.2258-2dup

Gene: BRIP1 (BRCA1 interacting DNA helicase 1; minus strand). Cytogenetic location: 17q23.2.
Variant type: Duplication.
Coding change: c.2258-2dup on transcript NM_032043.3 (MANE Select); the canonical splice acceptor site of the intron before coding-DNA position 2258, one base duplicated (A; older notation c.2258-2dupA).
Molecular consequence: splice acceptor variant.
Genome position (GRCh38, 1-based): chr17:61,743,136, T duplicated on the plus strand (A on the coding strand, the reverse complement: BRIP1 is on the minus strand); the first of 2 consecutive T bases (chr17:61,743,136-61,743,137); duplicating either gives the same sequence. VCF-style (leftmost placement, unchanged base first): chr17-61743135-C-CT. GRCh37 (hg19) VCF-style: chr17-59820496-C-CT.
Identifiers: ClinVar variation 1659970 (VCV001659970.10), dbSNP rs2144680473, ClinGen allele CA2573154305.

ClinVar aggregate classification (germline): Likely benign. Review status: criteria provided, multiple submitters, no conflicts (2 of 4 stars). 2 submissions from 2 submitters: Likely benign (2). Last evaluated 2025-05-12.

Conditions:
Familial cancer of breast. Also called: hereditary breast carcinoma; BREAST CANCER, FAMILIAL; Hereditary breast cancer. Identifiers: Orphanet 227535, MedGen C0346153, MONDO:0016419, OMIM 114480. Disease mechanism: loss of function.
Fanconi anemia complementation group J. Also called: BRIP1-Related Fanconi Anemia. Identifiers: Orphanet 84, MedGen C1836860, MONDO:0012187, OMIM 609054.

Submissions (2):

Labcorp Genetics (formerly Invitae), Labcorp
Classification: Likely benign for Familial cancer of breast; Fanconi anemia complementation group J. Last evaluated: 2025-05-12. Review status: criteria provided, single submitter. Criteria: Invitae Variant Classification Sherloc (09022015). Collection method: clinical testing. Allele origin: germline.

Myriad Genetics, Inc.
Classification: Likely benign for Familial cancer of breast. Last evaluated: 2024-09-04. Review status: criteria provided, single submitter. Criteria: Myriad Autosomal Dominant, Autosomal Recessive and X-Linked Classification Criteria (2023). Collection method: clinical testing. Allele origin: unknown.
Comment: This variant is considered likely benign. This variant is intronic and is not expected to impact mRNA splicing.